The following is an entry in ClinVar:

NM_201548.5(CERKL):c.1100del (p.Leu367fs)

Gene: CERKL (CERK like autophagy regulator; minus strand). Cytogenetic location: 2q31.3.
Variant type: Deletion.
Coding change: c.1100del on transcript NM_201548.5 (MANE Select); coding-DNA position 1100, one base deleted (T; older notation c.1100delT).
Protein change: p.Leu367fs; shifts the reading frame from leucine 367.
Molecular consequence: frameshift variant. On other transcripts: non-coding transcript variant (2).
Genome position (GRCh38, 1-based): chr2:181,548,578, A deleted on the plus strand (T on the coding strand, the reverse complement: CERKL is on the minus strand); the first of 5 consecutive A bases (chr2:181,548,578-181,548,582); deleting any one gives the same sequence. VCF-style (leftmost placement, unchanged base first): chr2-181548577-TA-T. GRCh37 (hg19) VCF-style: chr2-182413304-TA-T.
Other names: c.1178del, p.Leu393fs (NM_001030311.3); c.761del, p.Leu254fs (NM_001030312.3); c.893del, p.Leu298fs (NM_001030313.3); c.1046del, p.Leu349fs (NM_001160277.2); short protein forms L254fs, L298fs, L349fs, L367fs, L393fs.
Identifiers: ClinVar variation 1069409 (VCV001069409.7), dbSNP rs1687838639, ClinGen allele CA1311920051.

ClinVar aggregate classification (germline): Pathogenic (1 of 4 stars; one submission).

Submission:

Labcorp Genetics (formerly Invitae), Labcorp
Classification: Pathogenic. Last evaluated: 2022-07-18. Review status: criteria provided, single submitter. Criteria: Invitae Variant Classification Sherloc (09022015). Collection method: clinical testing. Allele origin: germline.
Comment: For these reasons, this variant has been classified as Pathogenic. ClinVar contains an entry for this variant (Variation ID: 1069409). This variant has not been reported in the literature in individuals affected with CERKL-related conditions. This variant is not present in population databases (gnomAD no frequency). This sequence change creates a premature translational stop signal (p.Leu393Tyrfs*28) in the CERKL gene. It is expected to result in an absent or disrupted protein product. Loss-of-function variants in CERKL are known to be pathogenic (PMID: 14681825, 23591405, 24043777).

Literature cited by the submitters: PubMed 14681825; PubMed 23591405; PubMed 24043777.